The following is an entry in ClinVar:

ClinVar aggregate classification (germline): Conflicting classifications of pathogenicity. Review status: criteria provided, conflicting classifications (1 of 4 stars). 3 submissions from 3 submitters: Pathogenic (1); Uncertain significance (1). 1 of the submissions does not count toward it. Last evaluated 2020-12-03.

Conditions:
Radio-Tartaglia syndrome. Identifiers: Orphanet 662234, MedGen C5543339, MONDO:0859143, OMIM 619312.

Submissions (3):

Tartaglia Lab, Genetics and Rare Diseases Research Division, Bambino Gesu' Children's Hospital
Classification: Pathogenic. Last evaluated: 2020-12-03. Review status: criteria provided, single submitter. Criteria: ACMG Guidelines, 2015. Collection method: research. Allele origin: unknown. Affected: yes. Observed: 1 variant allele.

GeneDx
Classification: Uncertain significance. Last evaluated: 2019-10-23. Review status: criteria provided, single submitter. Criteria: GeneDx Variant Classification Process June 2021. Collection method: clinical testing. Allele origin: germline. Affected: yes.
Comment: Not observed in large population cohorts (Lek et al., 2016); Nonsense variant predicted to result in protein truncation or nonsense mediated decay in a gene for which loss-of-function is not a known mechanism of disease; Has not been previously published as pathogenic or benign to our knowledge; Variants in candidate genes are classified as variants of uncertain significance in accordance with ACMG guidelines (Richards et al., 2015); This variant is associated with the following publications: (PMID: 33596411)

Molecular Genetics Laboratory, BC Children's and BC Women's Hospitals
Classification: Pathogenic for Radio-Tartaglia syndrome. Last evaluated: 2026-03-05. Review status: no assertion criteria provided. Criteria: ACMG Guidelines, 2015. Collection method: clinical testing. Allele origin: de novo. Affected: yes. Not counted in ClinVar's aggregate classification.

NM_015001.3(SPEN):c.6799G>T (p.Glu2267Ter)

Gene: SPEN (spen family transcriptional repressor; plus strand). Cytogenetic location: 1p36.13.
Variant type: single nucleotide variant.
Coding change: c.6799G>T on transcript NM_015001.3 (MANE Select); coding-DNA position 6799, G replaced by T.
Protein change: p.Glu2267Ter; replaces glutamic acid 2267 with a stop codon.
Molecular consequence: nonsense.
Genome position (GRCh38, 1-based): chr1:15,933,039, G>T. VCF-style: chr1-15933039-G-T. GRCh37 (hg19) VCF-style: chr1-16259534-G-T.
Other names: short protein forms E2267*.
Identifiers: ClinVar variation 992614 (VCV000992614.6), dbSNP rs754293393, ClinGen allele CA338637558.